The following is an entry in ClinVar:

ClinVar aggregate classification (germline): Uncertain significance (1 of 4 stars; one submission).

Conditions:
Early-infantile DEE. Also called: Early infantile epileptic encephalopathy; Ohtahara syndrome; Early infantile epileptic encephalopathy with suppression bursts. Identifiers: Orphanet 1934, MedGen C0393706, MONDO:0800491.

Submission:

Labcorp Genetics (formerly Invitae), Labcorp
Classification: Uncertain significance for Early-infantile DEE. Last evaluated: 2024-03-23. Review status: criteria provided, single submitter. Criteria: Invitae Variant Classification Sherloc (09022015). Collection method: clinical testing. Allele origin: germline.
Comment: This sequence change falls in intron 20 of the SCN1A gene. It does not directly change the encoded amino acid sequence of the SCN1A protein. However, this sequence change falls within a region encompassing a cryptic exon in the SCN1A gene, in which variants have been shown to alter splicing (PMID: 30526861, 34107977). This variant is not present in population databases (gnomAD no frequency). This variant has not been reported in the literature in individuals affected with SCN1A-related conditions. Algorithms developed to predict the effect of sequence changes on RNA splicing suggest that this variant is not likely to affect RNA splicing. In summary, the available evidence is currently insufficient to determine the role of this variant in disease. Therefore, it has been classified as a Variant of Uncertain Significance.

Literature cited by the submitters: PubMed 30526861; PubMed 34107977.

NM_001165963.4(SCN1A):c.4002+2513C>T

Genes: SCN1A (sodium voltage-gated channel alpha subunit 1; minus strand), LOC102724058 (uncharacterized LOC102724058; plus strand). Cytogenetic location: 2q24.3.
Variant type: single nucleotide variant.
Coding change: c.4002+2513C>T on transcript NM_001165963.4 (MANE Select); 2513 bases into the intron after coding-DNA position 4002, C replaced by T.
Molecular consequence: intron variant.
Genome position (GRCh38, 1-based): chr2:166,007,206, G>A on the plus strand (C>T on the coding strand, the complement: SCN1A is on the minus strand). VCF-style: chr2-166007206-G-A. GRCh37 (hg19) VCF-style: chr2-166863716-G-A.
Other names: c.3969+2513C>T (NM_001353949.2, NM_001353950.2, NM_001353951.2 and 2 more transcripts); c.3918+2513C>T (NM_001353958.2, NM_001353957.2, NM_001165964.3); c.4002+2513C>T (NM_001202435.3, NM_001353948.2); c.3966+2513C>T (NM_001353955.2, NM_001353954.2); c.3915+2513C>T (NM_001353960.2); c.1560+2513C>T (NM_001353961.2).
Identifiers: ClinVar variation 3639623 (VCV003639623.2).
Genomic context (GRCh38, chr2:166,007,206, plus strand): 5'-GTACCCTTCCCAATCCCTCCCTCACCCCACTACACATAAGTCACAGTGCAAGGATTAAAG[G>A]TAGCAAAAGGGGTAATACAGTACCCATAATAAAGGGCTCAGGGGAGGAACCAGCGCTCCA-3'